The following is an entry in ClinVar:

ClinVar aggregate classification (germline): Uncertain significance (0 of 4 stars; one submission).

Allele frequency attached by ClinVar (database versions not stated): gnomAD 0.00001.
gnomAD v4.1: 1 of 1,613,984 alleles (0.000062%); highest among the groups gnomAD compares: Non-Finnish European, 0.000085%; no homozygotes.

Submission:

Leiden Open Variation Database
Classification: Uncertain significance. Last evaluated: 2018-10-10. Review status: no assertion criteria provided. Collection method: curation. Allele origin: germline. Affected: yes.
Comment: Curators: Marc Tischkowitz, Arleen D. Auerbach. Submitter to LOVD: Yukihide Momozawa.

Literature cited by the submitters: PubMed 30287823.

NM_024675.4(PALB2):c.2144A>G (p.Asp715Gly)

Gene: PALB2 (partner and localizer of BRCA2; minus strand). Cytogenetic location: 16p12.2.
Variant type: single nucleotide variant.
Coding change: c.2144A>G on transcript NM_024675.4 (MANE Select); coding-DNA position 2144, A replaced by G.
Protein change: p.Asp715Gly; replaces aspartic acid 715 with glycine.
Molecular consequence: missense variant.
Genome position (GRCh38, 1-based): chr16:23,630,010, T>C on the plus strand (A>G on the coding strand, the complement: PALB2 is on the minus strand). VCF-style: chr16-23630010-T-C. GRCh37 (hg19) VCF-style: chr16-23641331-T-C.
Other names: short protein forms D715G.
Identifiers: ClinVar variation 830158 (VCV000830158.1), dbSNP rs1567217984, ClinGen allele CA395125709.